The following is an entry in ClinVar:

ClinVar aggregate classification (germline): Uncertain significance (1 of 4 stars; one submission).

Conditions:
Osteogenesis imperfecta type I (OI1). Also called: Lobstein's Disease; Lobstein disease; Classic Non-deforming Osteogenesis Imperfecta with Blue Sclerae; OI, TYPE I; OSTEOGENESIS IMPERFECTA TARDA; OSTEOGENESIS IMPERFECTA WITH BLUE SCLERAE. Identifiers: Orphanet 216796, Orphanet 666, MedGen C0023931, MONDO:0008146, OMIM 166200. Disease mechanism: loss of function.

Submission:

Labcorp Genetics (formerly Invitae), Labcorp
Classification: Uncertain significance for Osteogenesis imperfecta type I. Last evaluated: 2025-01-20. Review status: criteria provided, single submitter. Criteria: Invitae Variant Classification Sherloc (09022015). Collection method: clinical testing. Allele origin: germline.
Comment: This sequence change replaces proline, which is neutral and non-polar, with histidine, which is basic and polar, at codon 475 of the COL1A1 protein (p.Pro475His). This variant is not present in population databases (gnomAD no frequency). This variant has not been reported in the literature in individuals affected with COL1A1-related conditions. ClinVar contains an entry for this variant (Variation ID: 2727698). Invitae Evidence Modeling of protein sequence and biophysical properties (such as structural, functional, and spatial information, amino acid conservation, physicochemical variation, residue mobility, and thermodynamic stability) indicates that this missense variant is expected to disrupt COL1A1 protein function with a positive predictive value of 95%. In summary, the available evidence is currently insufficient to determine the role of this variant in disease. Therefore, it has been classified as a Variant of Uncertain Significance.

NM_000088.4(COL1A1):c.1424C>A (p.Pro475His)

Gene: COL1A1 (collagen type I alpha 1 chain; minus strand). Cytogenetic location: 17q21.33.
Variant type: single nucleotide variant.
Coding change: c.1424C>A on transcript NM_000088.4 (MANE Select); coding-DNA position 1424, C replaced by A.
Protein change: p.Pro475His; replaces proline 475 with histidine.
Molecular consequence: missense variant.
Genome position (GRCh38, 1-based): chr17:50,194,758, G>T on the plus strand (C>A on the coding strand, the complement: COL1A1 is on the minus strand). VCF-style: chr17-50194758-G-T. GRCh37 (hg19) VCF-style: chr17-48272119-G-T.
Other names: short protein forms P475H.
Identifiers: ClinVar variation 2727698 (VCV002727698.3), dbSNP rs2509222192, ClinGen allele CA400217735.